The following is an entry in ClinVar:

NM_000059.4(BRCA2):c.3278C>T (p.Ser1093Phe)

Gene: BRCA2 (BRCA2 DNA repair associated; plus strand). Cytogenetic location: 13q13.1.
Variant type: single nucleotide variant.
Coding change: c.3278C>T on transcript NM_000059.4 (MANE Select); coding-DNA position 3278, C replaced by T.
Protein change: p.Ser1093Phe; replaces serine 1093 with phenylalanine.
Molecular consequence: missense variant. On other transcripts: non-coding transcript variant (1), intron variant (2).
Genome position (GRCh38, 1-based): chr13:32,337,633, C>T. VCF-style: chr13-32337633-C-T. GRCh37 (hg19) VCF-style: chr13-32911770-C-T.
Other names: c.3278C>T, p.Ser1093Phe (NM_001406719.1, NM_001406720.1); c.1909+4246C>T (NM_001406721.1); c.424+6603C>T (NM_001406722.1); short protein forms S1093F.
Identifiers: ClinVar variation 2565999 (VCV002565999.2), dbSNP rs2137495034, ClinGen allele CA387776084.

ClinVar aggregate classification (germline): Uncertain significance (1 of 4 stars; one submission).

Conditions:
Hereditary cancer-predisposing syndrome. Also called: Neoplastic Syndromes, Hereditary; Hereditary Cancer Syndrome; Hereditary neoplastic syndrome; Tumor predisposition. Identifiers: Orphanet 140162, MedGen C0027672, MeSH D009386, MONDO:0015356.

Submission:

Ambry Genetics
Classification: Uncertain significance for Hereditary cancer-predisposing syndrome. Last evaluated: 2023-05-10. Review status: criteria provided, single submitter. Criteria: Ambry Variant Classification Scheme 2023. Collection method: clinical testing. Allele origin: germline.
Comment: The p.S1093F variant (also known as c.3278C>T), located in coding exon 10 of the BRCA2 gene, results from a C to T substitution at nucleotide position 3278. The serine at codon 1093 is replaced by phenylalanine, an amino acid with highly dissimilar properties. This amino acid position is poorly conserved in available vertebrate species. In addition, this alteration is predicted to be tolerated by in silico analysis. Since supporting evidence is limited at this time, the clinical significance of this alteration remains unclear.